The following is an entry in ClinVar:

NM_033656.4(BRWD1):c.864C>T (p.Tyr288=)

Gene: BRWD1 (bromodomain and WD repeat domain containing 1; minus strand). Cytogenetic location: 21q22.2.
Variant type: single nucleotide variant.
Coding change: c.864C>T on transcript NM_033656.4 (MANE Select); coding-DNA position 864, C replaced by T.
Protein change: p.Tyr288=; no amino-acid change (tyrosine 288 retained).
Molecular consequence: synonymous variant.
Genome position (GRCh38, 1-based): chr21:39,280,216, G>A on the plus strand (C>T on the coding strand, the complement: BRWD1 is on the minus strand). VCF-style: chr21-39280216-G-A. GRCh37 (hg19) VCF-style: chr21-40652142-G-A.
Other names: c.864C>T, p.Tyr288= (NM_018963.5).
Identifiers: ClinVar variation 3060201 (VCV003060201.2), dbSNP rs2836972, ClinGen allele CA10027650.

ClinVar aggregate classification (germline): Benign (0 of 4 stars; one submission).

Conditions:
BRWD1-related disorder. Also called: BRWD1-related condition.

Allele frequency attached by ClinVar (database versions not stated): 1000 Genomes Project 0.21506; 1000 Genomes Project 30x 0.21783; ExAC 0.27491; gnomAD 0.30349; TOPMed 0.30723; ESP Exome Variant Server 0.33308.
gnomAD v4.1: 526,024 of 1,605,572 alleles (33%); highest among the groups gnomAD compares: Non-Finnish European, 36%; 91,691 homozygotes.

Submission:

PreventionGenetics, part of Exact Sciences
Classification: Benign for BRWD1-related condition. Last evaluated: 2019-10-21. Review status: no assertion criteria provided. Collection method: clinical testing. Allele origin: germline.
Comment: This variant is classified as benign based on ACMG/AMP sequence variant interpretation guidelines (Richards et al. 2015 PMID: 25741868, with internal and published modifications).